The following is an entry in ClinVar:

NM_004100.5(EYA4):c.433T>A (p.Ser145Thr)

Gene: EYA4 (EYA transcriptional coactivator and phosphatase 4; plus strand). Cytogenetic location: 6q23.2.
Variant type: single nucleotide variant.
Coding change: c.433T>A on transcript NM_004100.5 (MANE Select); coding-DNA position 433, T replaced by A.
Protein change: p.Ser145Thr; replaces serine 145 with threonine.
Molecular consequence: missense variant.
Genome position (GRCh38, 1-based): chr6:133,461,176, T>A. VCF-style: chr6-133461176-T-A. GRCh37 (hg19) VCF-style: chr6-133782314-T-A.
Other names: c.271T>A, p.Ser91Thr (NM_001301012.2, NM_001370459.1); c.433T>A, p.Ser145Thr (NM_001301013.2, NM_172105.4); c.364T>A, p.Ser122Thr (NM_001370458.1, NM_172103.4); short protein forms S122T, S91T, S145T.
Identifiers: ClinVar variation 3846936 (VCV003846936.1).

ClinVar aggregate classification (germline): Uncertain significance (1 of 4 stars; one submission).

Conditions:
Cardiovascular phenotype. Identifiers: MedGen CN230736.

Submission:

Ambry Genetics
Classification: Uncertain significance for Cardiovascular phenotype. Last evaluated: 2025-02-09. Review status: criteria provided, single submitter. Criteria: Ambry Variant Classification Scheme 2023. Collection method: clinical testing. Allele origin: germline.
Comment: The p.S145T variant (also known as c.433T>A), located in coding exon 6 of the EYA4 gene, results from a T to A substitution at nucleotide position 433. The serine at codon 145 is replaced by threonine, an amino acid with similar properties. This amino acid position is conserved. In addition, the in silico prediction for this alteration is inconclusive. Based on the available evidence, the clinical significance of this variant remains unclear.